The following is an entry in ClinVar:

ClinVar aggregate classification (germline): Conflicting classifications of pathogenicity. Review status: criteria provided, conflicting classifications (1 of 4 stars). 6 submissions from 6 submitters: Uncertain significance (5); Likely benign (1). Last evaluated 2026-01-27.

Conditions:
Endometrial carcinoma. Also called: Endometrial carcinoma, somatic. Identifiers: MedGen C0476089, MONDO:0002447, OMIM 608089, HP:0012114.
Familial adenomatous polyposis 4 (FAP4). Also called: MSH3-related attenuated familial adenomatous polyposis. Identifiers: Orphanet 480536, MedGen C4310719, MONDO:0044300, OMIM 617100.
Hereditary cancer-predisposing syndrome. Also called: Hereditary Cancer Syndrome; Tumor predisposition; Hereditary neoplastic syndrome; Neoplastic Syndromes, Hereditary. Identifiers: Orphanet 140162, MedGen C0027672, MeSH D009386, MONDO:0015356.

Allele frequency attached by ClinVar (database versions not stated): gnomAD 0.00002; ExAC 0.00003; TOPMed 0.00003; gnomAD exomes 0.00004.

Submissions (6):

Labcorp Genetics (formerly Invitae), Labcorp
Classification: Uncertain significance. Last evaluated: 2026-01-27. Review status: criteria provided, single submitter. Criteria: Invitae Variant Classification Sherloc (09022015). Collection method: clinical testing. Allele origin: germline.
Comment: This sequence change replaces methionine, which is neutral and non-polar, with threonine, which is neutral and polar, at codon 1113 of the MSH3 protein (p.Met1113Thr). This variant is present in population databases (rs747331232, gnomAD 0.006%). This variant has not been reported in the literature in individuals affected with MSH3-related conditions. ClinVar contains an entry for this variant (Variation ID: 645190). An algorithm developed to predict the effect of missense changes on protein structure and function outputs the following: PolyPhen-2: "Benign". The threonine amino acid residue is found in multiple mammalian species, which suggests that this missense change does not adversely affect protein function. In summary, the available evidence is currently insufficient to determine the role of this variant in disease. Therefore, it has been classified as a Variant of Uncertain Significance.

Center for Genomic Medicine, Rigshospitalet, Copenhagen University Hospital
Classification: Uncertain significance. Last evaluated: 2025-12-29. Review status: criteria provided, single submitter. Criteria: ACMG Guidelines, 2015. Collection method: clinical testing. Allele origin: germline.

Ambry Genetics
Classification: Likely benign for Hereditary cancer-predisposing syndrome. Last evaluated: 2024-08-05. Review status: criteria provided, single submitter. Criteria: Ambry Variant Classification Scheme 2023. Collection method: clinical testing. Allele origin: germline.

Quest Diagnostics Nichols Institute San Juan Capistrano
Classification: Uncertain significance. Last evaluated: 2023-11-08. Review status: criteria provided, single submitter. Criteria: Quest Diagnostics criteria. Collection method: clinical testing. Allele origin: unknown.
Comment: The MSH3 c.3338T>C (p.Met1113Thr) variant has not been reported in individuals with MSH3-related conditions in the published literature. The frequency of this variant in the general population, 0.000044 (5/113476 chromosomes (Genome Aggregation Database)), is uninformative in the assessment of its pathogenicity. Analysis of this variant using bioinformatics tools for the prediction of the effect of amino acid changes on protein structure and function yielded predictions that this variant is benign. Based on the available information, we are unable to determine the clinical significance of this variant.

Department of Pathology and Laboratory Medicine, Sinai Health System
Classification: Uncertain significance for Endometrial carcinoma; Familial adenomatous polyposis 4. Last evaluated: 2022-08-23. Review status: criteria provided, single submitter. Criteria: ACMG Guidelines, 2015. Collection method: clinical testing. Allele origin: germline. Affected: yes.

Sema4
Classification: Uncertain significance for Hereditary cancer-predisposing syndrome. Last evaluated: 2021-12-09. Review status: criteria provided, single submitter. Criteria: Sema4 Curation Guidelines. Collection method: curation. Allele origin: germline.
Comment: The MSH3 c.3338T>C (p.M1113T) variant has not been reported in the literature to our knowledge. It was observed in 2/30604 chromosomes of the South Asian subpopulation in the large and broad cohorts of the Genome Aggregation Database (PMID: 32461654). This variant has been reported in ClinVar (Variation ID: 645190). Functional studies have not been performed, and in silico predictions of the variant's effect on protein function are inconclusive. The evidence is insufficient to meet ACMG/AMP criteria for classifying the variant as benign or pathogenic. Thus, the clinical significance of this variant is currently uncertain.

NM_002439.5(MSH3):c.3338T>C (p.Met1113Thr)

Gene: MSH3 (mutS homolog 3; plus strand). Cytogenetic location: 5q14.1.
Variant type: single nucleotide variant.
Coding change: c.3338T>C on transcript NM_002439.5 (MANE Select); coding-DNA position 3338, T replaced by C.
Protein change: p.Met1113Thr; replaces methionine 1113 with threonine.
Molecular consequence: missense variant.
Genome position (GRCh38, 1-based): chr5:80,875,786, T>C. VCF-style: chr5-80875786-T-C. GRCh37 (hg19) VCF-style: chr5-80171605-T-C.
Other names: short protein forms M1113T.
Identifiers: ClinVar variation 645190 (VCV000645190.17), dbSNP rs747331232, ClinGen allele CA3328526.